The following is an entry in ClinVar:

NM_000719.7(CACNA1C):c.705G>A (p.Ala235=)

Gene: CACNA1C (calcium voltage-gated channel subunit alpha1 C; plus strand). Cytogenetic location: 12p13.33.
Variant type: single nucleotide variant.
Coding change: c.705G>A on transcript NM_000719.7 (MANE Select); coding-DNA position 705, G replaced by A.
Protein change: p.Ala235=; no amino-acid change (alanine 235 retained).
Molecular consequence: synonymous variant.
Genome position (GRCh38, 1-based): chr12:2,457,654, G>A. VCF-style: chr12-2457654-G-A. GRCh37 (hg19) VCF-style: chr12-2566820-G-A.
Other names: c.705G>A, p.Ala235= (NM_001129827.2, NM_001129829.2, NM_001129830.3 and 19 more transcripts).
Identifiers: ClinVar variation 527093 (VCV000527093.14), dbSNP rs775314673, ClinGen allele CA6388507.

ClinVar aggregate classification (germline): Likely benign. Review status: criteria provided, multiple submitters, no conflicts (2 of 4 stars). 3 submissions from 3 submitters: Likely benign (3). Last evaluated 2026-07-07.

Conditions:
Long QT syndrome (LQTS). Identifiers: MedGen C0023976, MeSH D008133, MONDO:0002442. Disease mechanism: loss of function. Inheritance: Various modes of inheritance.
CACNA1C-related disorder. Also called: CACNA1C-related condition; CACNA1C-related disorders. Identifiers: MedGen CN381092, MONDO:0700321.
Cardiovascular phenotype. Identifiers: MedGen CN230736.

Allele frequency attached by ClinVar (database versions not stated): gnomAD 0.00003 and 0.00002; gnomAD exomes 0.00002; TOPMed 0.00002; ExAC 0.00004.
gnomAD v4.1: 29 of 1,610,814 alleles (0.0018%); highest among the groups gnomAD compares: Middle Eastern, 0.033%; no homozygotes.

Submissions (3):

PreventionGenetics, part of Exact Sciences
Classification: Likely benign for CACNA1C-related condition. Last evaluated: 2026-07-07. Review status: criteria provided, single submitter. Criteria: ACMG Guidelines, 2015. Collection method: clinical testing. Allele origin: germline.
Comment: This variant is classified as likely benign based on ACMG/AMP sequence variant interpretation guidelines (Richards et al. 2015 PMID: 25741868, with internal and published modifications).

Labcorp Genetics (formerly Invitae), Labcorp
Classification: Likely benign for Long QT syndrome. Last evaluated: 2025-09-08. Review status: criteria provided, single submitter. Criteria: Invitae Variant Classification Sherloc (09022015). Collection method: clinical testing. Allele origin: germline.

Ambry Genetics
Classification: Likely benign for Cardiovascular phenotype. Last evaluated: 2018-08-03. Review status: criteria provided, single submitter. Criteria: Ambry Variant Classification Scheme 2023. Collection method: clinical testing. Allele origin: germline.